The following is an entry in ClinVar:

ClinVar aggregate classification (germline): Uncertain significance. Review status: criteria provided, multiple submitters, no conflicts (2 of 4 stars). 2 submissions from 2 submitters: Uncertain significance (2). Last evaluated 2023-12-20.

Conditions:
Hajdu-Cheney syndrome (HJCYS). Also called: SERPENTINE FIBULA-POLYCYSTIC KIDNEY SYNDROME; ACROOSTEOLYSIS WITH OSTEOPOROSIS AND CHANGES IN SKULL AND MANDIBLE; Acroosteolysis dominant type. Identifiers: Orphanet 955, MedGen C0917715, MONDO:0007057, OMIM 102500.

Allele frequency attached by ClinVar (database versions not stated): gnomAD exomes below 0.00001 and 0.00002; ExAC 0.00002; TOPMed 0.00002; gnomAD 0.00003 and 0.00004; ESP Exome Variant Server 0.00008.
gnomAD v4.1: 7 of 1,614,094 alleles (0.00043%); highest among the groups gnomAD compares: African/African-American, 0.0093%; no homozygotes.

Submissions (2):

Labcorp Genetics (formerly Invitae), Labcorp
Classification: Uncertain significance for Hajdu-Cheney syndrome. Last evaluated: 2023-12-20. Review status: criteria provided, single submitter. Criteria: Invitae Variant Classification Sherloc (09022015). Collection method: clinical testing. Allele origin: germline.
Comment: This sequence change replaces proline, which is neutral and non-polar, with serine, which is neutral and polar, at codon 2430 of the NOTCH2 protein (p.Pro2430Ser). This variant is present in population databases (rs141961602, gnomAD 0.02%). This variant has not been reported in the literature in individuals affected with NOTCH2-related conditions. ClinVar contains an entry for this variant (Variation ID: 594758). Advanced modeling of protein sequence and biophysical properties (such as structural, functional, and spatial information, amino acid conservation, physicochemical variation, residue mobility, and thermodynamic stability) performed at Invitae indicates that this missense variant is not expected to disrupt NOTCH2 protein function with a negative predictive value of 80%. In summary, the available evidence is currently insufficient to determine the role of this variant in disease. Therefore, it has been classified as a Variant of Uncertain Significance.

Eurofins Ntd Llc (ga)
Classification: Uncertain significance. Last evaluated: 2017-10-31. Review status: criteria provided, single submitter. Criteria: EGL Classification Definitions 2015. Collection method: clinical testing. Allele origin: germline. Observed: 1 variant allele, 1 heterozygote.

NM_024408.4(NOTCH2):c.7288C>T (p.Pro2430Ser)

Gene: NOTCH2 (notch receptor 2; minus strand). Cytogenetic location: 1p12.
Variant type: single nucleotide variant.
Coding change: c.7288C>T on transcript NM_024408.4 (MANE Select); coding-DNA position 7288, C replaced by T.
Protein change: p.Pro2430Ser; replaces proline 2430 with serine.
Molecular consequence: missense variant.
Genome position (GRCh38, 1-based): chr1:119,915,434, G>A on the plus strand (C>T on the coding strand, the complement: NOTCH2 is on the minus strand). VCF-style: chr1-119915434-G-A. GRCh37 (hg19) VCF-style: chr1-120458057-G-A.
Other names: short protein forms P2430S.
Identifiers: ClinVar variation 594758 (VCV000594758.8), dbSNP rs141961602, ClinGen allele CA1039296.